The following is an entry in ClinVar:

NM_000064.4(C3):c.2654C>T (p.Thr885Ile)

Gene: C3 (complement C3; minus strand). Cytogenetic location: 19p13.3.
Variant type: single nucleotide variant.
Coding change: c.2654C>T on transcript NM_000064.4 (MANE Select); coding-DNA position 2654, C replaced by T.
Protein change: p.Thr885Ile; replaces threonine 885 with isoleucine.
Molecular consequence: missense variant.
Genome position (GRCh38, 1-based): chr19:6,697,486, G>A on the plus strand (C>T on the coding strand, the complement: C3 is on the minus strand). VCF-style: chr19-6697486-G-A. GRCh37 (hg19) VCF-style: chr19-6697497-G-A.
Other names: short protein forms T885I.
Identifiers: ClinVar variation 3646668 (VCV003646668.2).

ClinVar aggregate classification (germline): Uncertain significance (1 of 4 stars; one submission).

gnomAD v4.1: 1 of 1,613,842 alleles (0.000062%); highest among the groups gnomAD compares: African/African-American, 0.0013%; no homozygotes.

Submission:

Labcorp Genetics (formerly Invitae), Labcorp
Classification: Uncertain significance. Last evaluated: 2024-03-18. Review status: criteria provided, single submitter. Criteria: Invitae Variant Classification Sherloc (09022015). Collection method: clinical testing. Allele origin: germline.
Comment: This sequence change replaces threonine, which is neutral and polar, with isoleucine, which is neutral and non-polar, at codon 885 of the C3 protein (p.Thr885Ile). This variant is not present in population databases (gnomAD no frequency). This variant has not been reported in the literature in individuals affected with C3-related conditions. Advanced modeling of protein sequence and biophysical properties (such as structural, functional, and spatial information, amino acid conservation, physicochemical variation, residue mobility, and thermodynamic stability) performed at Invitae indicates that this missense variant is not expected to disrupt C3 protein function with a negative predictive value of 80%. In summary, the available evidence is currently insufficient to determine the role of this variant in disease. Therefore, it has been classified as a Variant of Uncertain Significance.